The following is an entry in ClinVar:

NM_001142864.4(PIEZO1):c.3523T>G (p.Phe1175Val)

Gene: PIEZO1 (piezo type mechanosensitive ion channel component 1 (Er blood group); minus strand). Cytogenetic location: 16q24.3.
Variant type: single nucleotide variant.
Coding change: c.3523T>G on transcript NM_001142864.4 (MANE Select); coding-DNA position 3523, T replaced by G.
Protein change: p.Phe1175Val; replaces phenylalanine 1175 with valine.
Molecular consequence: missense variant.
Genome position (GRCh38, 1-based): chr16:88,726,891, A>C on the plus strand (T>G on the coding strand, the complement: PIEZO1 is on the minus strand). VCF-style: chr16-88726891-A-C. GRCh37 (hg19) VCF-style: chr16-88793299-A-C.
Other names: c.3523T>G (NM_001142864.3, NM_001142864.2); short protein forms F1175V.
Identifiers: ClinVar variation 993648 (VCV000993648.11), dbSNP rs773476725, ClinGen allele CA8232459.

ClinVar aggregate classification (germline): Uncertain significance. Review status: criteria provided, multiple submitters, no conflicts (2 of 4 stars). 3 submissions from 3 submitters: Uncertain significance (2). 1 of the submissions does not count toward it. Last evaluated 2024-03-18.

Conditions:
PIEZO1-related disorder. Also called: PIEZO1-related condition; PIEZO1-Related Disorders.
Inborn genetic diseases. Identifiers: MedGen C0950123, MeSH D030342.

Allele frequency attached by ClinVar (database versions not stated): ExAC 0.00005; gnomAD exomes 0.00001.
gnomAD v4.1: 13 of 1,550,382 alleles (0.00084%); highest among the groups gnomAD compares: East Asian, 0.0098%; no homozygotes.

Submissions (3):

Ambry Genetics
Classification: Uncertain significance for Inborn genetic diseases. Last evaluated: 2024-03-18. Review status: criteria provided, single submitter. Criteria: Ambry Variant Classification Scheme 2023. Collection method: clinical testing. Allele origin: germline.

ARUP Laboratories, Molecular Genetics and Genomics, ARUP Laboratories
Classification: Uncertain significance. Last evaluated: 2020-03-06. Review status: criteria provided, single submitter. Criteria: ARUP Molecular Germline Variant Investigation Process. Collection method: clinical testing. Allele origin: germline.

PreventionGenetics, part of Exact Sciences
Classification: Uncertain significance for PIEZO1-related condition. Last evaluated: 2024-02-06. Review status: no assertion criteria provided. Collection method: clinical testing. Allele origin: germline. Not counted in ClinVar's aggregate classification.
Comment: The PIEZO1 c.3523T>G variant is predicted to result in the amino acid substitution p.Phe1175Val. To our knowledge, this variant has not been reported in the literature. This variant is reported in 0.0017% of alleles in individuals of European (Non-Finnish) descent in gnomAD. At this time, the clinical significance of this variant is uncertain due to the absence of conclusive functional and genetic evidence.